The following is an entry in ClinVar:

NM_001267550.2(TTN):c.1895G>A (p.Gly632Asp)

Gene: TTN (titin; minus strand). Cytogenetic location: 2q31.2.
Variant type: single nucleotide variant.
Coding change: c.1895G>A on transcript NM_001267550.2 (MANE Select); coding-DNA position 1895, G replaced by A.
Protein change: p.Gly632Asp; replaces glycine 632 with aspartic acid.
Molecular consequence: missense variant.
Genome position (GRCh38, 1-based): chr2:178,790,021, C>T on the plus strand (G>A on the coding strand, the complement: TTN is on the minus strand). VCF-style: chr2-178790021-C-T. GRCh37 (hg19) VCF-style: chr2-179654748-C-T.
Other names: c.1757G>A, p.Gly586Asp (NM_003319.4, NM_133432.3, NM_133437.4); c.1895G>A, p.Gly632Asp (NM_133378.4, NM_001256850.1, NM_133379.5); short protein forms G632D, G586D.
Identifiers: ClinVar variation 501631 (VCV000501631.18), dbSNP rs150231219, ClinGen allele CA2005945.

ClinVar aggregate classification (germline): Conflicting classifications of pathogenicity. Review status: criteria provided, conflicting classifications (1 of 4 stars). 8 submissions from 8 submitters: Uncertain significance (5); Benign (1); Likely benign (2). Last evaluated 2026-09-21.

Conditions:
Dilated cardiomyopathy 1G (CMD1G). Identifiers: Orphanet 154, MedGen C1858763, MONDO:0011400, OMIM 604145.
Autosomal recessive limb-girdle muscular dystrophy type 2J (LGMDR10). Also called: Limb-girdle muscular dystrophy, type 2J; MUSCULAR DYSTROPHY, LIMB-GIRDLE, AUTOSOMAL RECESSIVE 10. Identifiers: Orphanet 140922, MedGen C1837342, MONDO:0012127, OMIM 608807.
Myopathy, myofibrillar, 9, with early respiratory failure (MFM9). Also called: Hereditary myopathy with early respiratory failure; Myopathy, distal, with early respiratory failure, autosomal dominant; EDSTROM MYOPATHY; MYOPATHY, PROXIMAL, WITH EARLY RESPIRATORY MUSCLE INVOLVEMENT. Identifiers: Orphanet 178464, Orphanet 34521, MedGen C1863599, MONDO:0011362, OMIM 603689.
Tibial muscular dystrophy (TMD). Also called: UDD MYOPATHY; Udd Distal Myopathy – Tibial Muscular Dystrophy; Tibial muscular dystrophy, tardive. Identifiers: Orphanet 609, MedGen C1838244, MONDO:0010870, OMIM 600334.
Early-onset myopathy with fatal cardiomyopathy (CMYO5). Also called: CONGENITAL MYOPATHY 5 WITH CARDIOMYOPATHY; Salih Myopathy. Identifiers: Orphanet 289377, MedGen C2673677, MONDO:0012714, OMIM 611705. Disease mechanism: loss of function.
Hypertrophic cardiomyopathy 9. Also called: Familial hypertrophic cardiomyopathy 9. Identifiers: MedGen C1861065, MONDO:0013412, OMIM 613765.
Cardiomyopathy (CMYO). Also called: Cardiomyopathies. Identifiers: Orphanet 167848, MedGen C0878544, MONDO:0004994, HP:0001638. Inheritance: Various modes of inheritance.
TTN-related disorder. Also called: TTN-related disorders; TTN-related condition; TTN-related disease.

Allele frequency attached by ClinVar (database versions not stated): gnomAD exomes 0.00010 and 0.00016; ExAC 0.00018; TOPMed 0.00005; gnomAD 0.00005; ESP Exome Variant Server 0.00015.
gnomAD v4.1: 163 of 1,613,156 alleles (0.01%); highest among the groups gnomAD compares: Middle Eastern, 0.12%; 1 homozygote.

Submissions (8):

Molecular Diagnostic Laboratory for Inherited Cardiovascular Disease, Montreal Heart Institute
Classification: Likely benign. Last evaluated: 2026-09-21. Review status: criteria provided, single submitter. Criteria: ACMG Guidelines, 2015. Collection method: clinical testing. Allele origin: germline. Affected: no.
Comment: BS1;BP1

PreventionGenetics, part of Exact Sciences
Classification: Uncertain significance for TTN-related condition. Last evaluated: 2026-01-05. Review status: criteria provided, single submitter. Criteria: ACMG Guidelines, 2015. Collection method: clinical testing. Allele origin: germline.
Comment: The TTN c.1895G>A variant is predicted to result in the amino acid substitution p.Gly632Asp. To our knowledge, this variant has not been reported in the literature in individuals with TTN-related disorders. This variant is reported in 0.065% of alleles in individuals of South Asian descent in gnomAD. Although we suspect that this variant may be benign, at this time, the clinical significance of this variant is uncertain due to the absence of conclusive functional and genetic evidence.

CHEO Genetics Diagnostic Laboratory, Children's Hospital of Eastern Ontario
Classification: Benign for Cardiomyopathy. Last evaluated: 2022-04-19. Review status: criteria provided, single submitter. Criteria: ACMG Guidelines, 2015. Collection method: clinical testing. Allele origin: germline.

Revvity Omics, Revvity
Classification: Uncertain significance. Last evaluated: 2022-01-27. Review status: criteria provided, single submitter. Criteria: ACMG Guidelines, 2015. Collection method: clinical testing. Allele origin: germline.

GeneDx
Classification: Likely benign. Last evaluated: 2020-06-16. Review status: criteria provided, single submitter. Criteria: GeneDx Variant Classification Process June 2021. Collection method: clinical testing. Allele origin: germline. Affected: yes.
Comment: This variant is associated with the following publications: (PMID: 30819905)

Fulgent Genetics
Classification: Uncertain significance for Tibial muscular dystrophy; Myopathy, myofibrillar, 9, with early respiratory failure; Dilated cardiomyopathy 1G; Autosomal recessive limb-girdle muscular dystrophy type 2J; Early-onset myopathy with fatal cardiomyopathy; Hypertrophic cardiomyopathy 9. Last evaluated: 2018-10-31. Review status: criteria provided, single submitter. Criteria: ACMG Guidelines, 2015. Collection method: clinical testing. Allele origin: unknown.

Labcorp Genetics (formerly Invitae), Labcorp
Classification: Uncertain significance for Dilated cardiomyopathy 1G; Autosomal recessive limb-girdle muscular dystrophy type 2J. Last evaluated: 2017-12-12. Review status: criteria provided, single submitter. Criteria: Invitae Variant Classification Sherloc (09022015). Collection method: clinical testing. Allele origin: germline.

Eurofins Ntd Llc (ga)
Classification: Uncertain significance. Last evaluated: 2017-04-28. Review status: criteria provided, single submitter. Criteria: EGL Classification Definitions 2015. Collection method: clinical testing. Allele origin: germline. Observed: 1 variant allele, 1 heterozygote.